The following is an entry in ClinVar:

NM_001377.3(DYNC2H1):c.12567-1G>A

Gene: DYNC2H1 (dynein cytoplasmic 2 heavy chain 1; plus strand). Cytogenetic location: 11q22.3.
Variant type: single nucleotide variant.
Coding change: c.12567-1G>A on transcript NM_001377.3 (MANE Select); the canonical splice acceptor site of the intron before coding-DNA position 12567, G replaced by A.
Molecular consequence: splice acceptor variant.
Genome position (GRCh38, 1-based): chr11:103,456,274, G>A. VCF-style: chr11-103456274-G-A. GRCh37 (hg19) VCF-style: chr11-103327002-G-A.
Other names: c.12588-1G>A (NM_001080463.2).
Identifiers: ClinVar variation 2966680 (VCV002966680.3), dbSNP rs2497544750, ClinGen allele CA382289669.
Genomic context (GRCh38, chr11:103,456,274, plus strand): 5'-CTCTTCATATTTTAATTCCTAAGGATTATTGATTTGTGACTTTGATGCTTTACCTTTACA[G>A]GGCAGTGGGTCGTTCTGTGGATAGCCTTAAATTTGTAGCCTCATGGAAAGGTCGACTGCA-3'

ClinVar aggregate classification (germline): Likely pathogenic (1 of 4 stars; one submission).

Conditions:
Jeune thoracic dystrophy. Also called: Short-rib thoracic dysplasia; Jeune syndrome; Infantile thoracic dystrophy; Thoracic pelvic phalangeal dystrophy; Jeune's syndrome; Chondroectodermal dysplasia-like syndrome. Identifiers: Orphanet 474, MedGen C0265275, MONDO:0018770.

Submission:

Labcorp Genetics (formerly Invitae), Labcorp
Classification: Likely pathogenic for Jeune thoracic dystrophy. Last evaluated: 2024-03-18. Review status: criteria provided, single submitter. Criteria: Invitae Variant Classification Sherloc (09022015). Collection method: clinical testing. Allele origin: germline.
Comment: This sequence change affects an acceptor splice site in intron 87 of the DYNC2H1 gene. It is expected to disrupt RNA splicing. Variants that disrupt the donor or acceptor splice site typically lead to a loss of protein function (PMID: 16199547), and loss-of-function variants in DYNC2H1 are known to be pathogenic (PMID: 23339108, 32753734, 33755199). This variant is not present in population databases (gnomAD no frequency). This variant has not been reported in the literature in individuals affected with DYNC2H1-related conditions. Algorithms developed to predict the effect of sequence changes on RNA splicing suggest that this variant may disrupt the consensus splice site. In summary, the currently available evidence indicates that the variant is pathogenic, but additional data are needed to prove that conclusively. Therefore, this variant has been classified as Likely Pathogenic.

Literature cited by the submitters: PubMed 16199547; PubMed 23339108; PubMed 32753734; PubMed 33755199.